The following is an entry in ClinVar:

NM_020223.4(FAM20C):c.631G>A (p.Glu211Lys)

Gene: FAM20C (FAM20C golgi associated secretory pathway kinase; plus strand). Cytogenetic location: 7p22.3.
Variant type: single nucleotide variant.
Coding change: c.631G>A on transcript NM_020223.4 (MANE Select); coding-DNA position 631, G replaced by A.
Protein change: p.Glu211Lys; replaces glutamic acid 211 with lysine.
Molecular consequence: missense variant.
Genome position (GRCh38, 1-based): chr7:195,579, G>A. VCF-style: chr7-195579-G-A. GRCh37 (hg19) VCF-style: chr7-195579-G-A.
Other names: short protein forms E211K.
Identifiers: ClinVar variation 1049904 (VCV001049904.1), dbSNP rs187691945, ClinGen allele CA4108951.

ClinVar aggregate classification (germline): Uncertain significance (0 of 4 stars; one submission).

Allele frequency attached by ClinVar (database versions not stated): gnomAD exomes below 0.00001 and 0.00002; TOPMed below 0.00001; gnomAD 0.00001; ExAC 0.00002; 1000 Genomes Project 0.00040; 1000 Genomes Project 30x 0.00062.
gnomAD v4.1: 6 of 1,594,870 alleles (0.00038%); highest among the groups gnomAD compares: Admixed American, 0.0086%; no homozygotes.

Submission:

Department of Pathology and Laboratory Medicine, Sinai Health System
Classification: Uncertain significance. Review status: no assertion criteria provided. Collection method: clinical testing. Allele origin: unknown. Affected: yes. Study: The Canadian Open Genetics Repository (COGR).
Comment: The FAM20C p.Glu211Lys variant was not identified in the literature nor was it identified in ClinVar, Cosmic or LOVD 3.0. The variant was identified in dbSNP (ID: rs187691945) with unkown clinical significance and in control databases in 5 of 235856 chromosomes at a frequency of 0.000021 (Genome Aggregation Database Feb 27, 2017). The variant was observed in the following populations: Other in 1 of 5614 chromosomes (freq: 0.000178) and Latino in 4 of 31742 chromosomes (freq: 0.000126); it was not observed in the African, Ashkenazi Jewish, East Asian, European (Finnish), European (non-Finnish), and South Asian populations. The c.631G>A variant occurs outside of the splicing consensus sequence and only 1 of 4 in silico or computational prediction software programs (MaxEntScan) predict a greater than 10% difference in splicing; however this is not very predictive of pathogenicity. The p.Glu211 residue is not conserved in mammals and four out of five computational analyses (PolyPhen-2, SIFT, AlignGVGD, BLOSUM) do not suggest a high likelihood of impact to the protein. This information is not predictive enough to rule out pathogenicity. In summary, based on the above information the clinical significance of this variant cannot be determined with certainty at this time. This variant is classified as a variant of uncertain significance.